The following is an entry in ClinVar:

ClinVar aggregate classification (germline): Conflicting classifications of pathogenicity. Review status: criteria provided, conflicting classifications (1 of 4 stars). 2 submissions from 2 submitters: Uncertain significance (1); Likely benign (1). Last evaluated 2023-06-21.

Conditions:
Multiple endocrine neoplasia, type 2 (MEN2). Identifiers: Orphanet 653, MedGen C4048306, MONDO:0019003. Disease mechanism: gain of function.
Hereditary cancer-predisposing syndrome. Also called: Tumor predisposition; Hereditary Cancer Syndrome; Hereditary neoplastic syndrome; Neoplastic Syndromes, Hereditary. Identifiers: Orphanet 140162, MedGen C0027672, MeSH D009386, MONDO:0015356.

Submissions (2):

Ambry Genetics
Classification: Uncertain significance for Hereditary cancer-predisposing syndrome. Last evaluated: 2023-06-21. Review status: criteria provided, single submitter. Criteria: Ambry Variant Classification Scheme 2023. Collection method: clinical testing. Allele origin: germline.
Comment: The c.1674C>T variant (also known as p.C558C), located in coding exon 9 of the RET gene, results from a C to T substitution at nucleotide position 1674. This nucleotide substitution does not change the cysteine at codon 558. This nucleotide position is well conserved in available vertebrate species. In silico splice site analysis for this alteration is inconclusive. Since supporting evidence is limited at this time, the clinical significance of this alteration remains unclear.

Labcorp Genetics (formerly Invitae), Labcorp
Classification: Likely benign for Multiple endocrine neoplasia, type 2. Last evaluated: 2022-09-01. Review status: criteria provided, single submitter. Criteria: Invitae Variant Classification Sherloc (09022015). Collection method: clinical testing. Allele origin: germline.

NM_020975.6(RET):c.1674C>T (p.Cys558=)

Gene: RET (ret proto-oncogene; plus strand). Cytogenetic location: 10q11.21.
Variant type: single nucleotide variant.
Coding change: c.1674C>T on transcript NM_020975.6 (MANE Select); coding-DNA position 1674, C replaced by T.
Protein change: p.Cys558=; no amino-acid change (cysteine 558 retained).
Molecular consequence: synonymous variant.
Genome position (GRCh38, 1-based): chr10:43,112,878, C>T. VCF-style: chr10-43112878-C-T. GRCh37 (hg19) VCF-style: chr10-43608326-C-T.
Other names: c.948C>T, p.Cys316= (NM_001406776.1, NM_001406777.1, NM_001406778.1 and 1 more transcripts); c.777C>T, p.Cys259= (NM_001406779.1, NM_001406780.1, NM_001406781.1 and 3 more transcripts); c.648C>T, p.Cys216= (NM_001406783.1, NM_001406786.1); c.684C>T, p.Cys228= (NM_001406784.1); c.489C>T, p.Cys163= (NM_001406788.1, NM_001406789.1, NM_001406790.1 and 1 more transcripts); c.225C>T, p.Cys75= (NM_001406792.1, NM_001406793.1, NM_001406794.1); c.1674C>T, p.Cys558= (NM_020629.2, NM_020630.7, NM_000323.2 and 6 more transcripts); c.912C>T, p.Cys304= (NM_001355216.2); and 5 more.
Identifiers: ClinVar variation 1565026 (VCV001565026.11), dbSNP rs2132813703, ClinGen allele CA469027707.